The following is an entry in ClinVar:

ClinVar aggregate classification (germline): Uncertain significance (1 of 4 stars; one submission).

Conditions:
Left ventricular noncompaction 1 (LVNC1). Also called: LEFT VENTRICULAR NONCOMPACTION 1 WITH OR WITHOUT CONGENITAL HEART DEFECTS. Identifiers: Orphanet 54260, MedGen C1858725, MONDO:0011403, OMIM 604169.

Allele frequency attached by ClinVar (database versions not stated): gnomAD exomes 0.00001; TOPMed 0.00001; gnomAD 0.00002; ExAC 0.00006; 1000 Genomes Project 0.00060; 1000 Genomes Project 30x 0.00062.
gnomAD v4.1: 17 of 1,612,834 alleles (0.0011%); highest among the groups gnomAD compares: East Asian, 0.036%; no homozygotes.

Submission:

Labcorp Genetics (formerly Invitae), Labcorp
Classification: Uncertain significance for Left ventricular noncompaction 1. Last evaluated: 2025-04-07. Review status: criteria provided, single submitter. Criteria: Invitae Variant Classification Sherloc (09022015). Collection method: clinical testing. Allele origin: germline.
Comment: This sequence change falls in intron 18 of the DTNA gene. It does not directly change the encoded amino acid sequence of the DTNA protein. It affects a nucleotide within the consensus splice site. This variant is present in population databases (rs201572644, gnomAD 0.06%). This variant has not been reported in the literature in individuals affected with DTNA-related conditions. ClinVar contains an entry for this variant (Variation ID: 1905421). Variants that disrupt the consensus splice site are a relatively common cause of aberrant splicing (PMID: 17576681, 9536098). Algorithms developed to predict the effect of sequence changes on RNA splicing suggest that this variant may disrupt the consensus splice site. In summary, the available evidence is currently insufficient to determine the role of this variant in disease. Therefore, it has been classified as a Variant of Uncertain Significance.

Literature cited by the submitters: PubMed 17576681; PubMed 9536098.

NM_001386795.1(DTNA):c.1993+5G>A

Gene: DTNA (dystrobrevin alpha; plus strand). Cytogenetic location: 18q12.1.
Variant type: single nucleotide variant.
Coding change: c.1993+5G>A on transcript NM_001386795.1 (MANE Select); 5 bases into the intron after coding-DNA position 1993, G replaced by A.
Molecular consequence: intron variant.
Genome position (GRCh38, 1-based): chr18:34,877,813, G>A. VCF-style: chr18-34877813-G-A. GRCh37 (hg19) VCF-style: chr18-32457777-G-A.
Other names: c.1741+5G>A (NM_032975.4, NM_001386761.1); c.1738+5G>A (NM_001386762.1); c.1822+5G>A (NM_001386754.1, NM_001386755.1, NM_001386757.1 and 3 more transcripts); c.1819+5G>A (NM_001386760.1); c.1732+5G>A (NM_001386763.1, NM_001386764.1, NM_001198940.2 and 5 more transcripts); c.1729+5G>A (NM_001386768.1, NM_001386769.1); c.1753+5G>A (NM_001198939.2); c.1993+5G>A (NM_001386788.1); and 5 more.
Identifiers: ClinVar variation 1905421 (VCV001905421.5), dbSNP rs201572644, ClinGen allele CA8935896.
Genomic context (GRCh38, chr18:34,877,813, plus strand): 5'-GGCTGCAGATTCCATCACTAACACTATGTCCTCTCTTGTGAAAGAGCTGAATTCTGGTGA[G>A]TTCCTGATTCCCTCTCATTTGTCTGCTCATCATGGAGGGATCCATAAGTGCTAGGGGTCT-3'